The following is an entry in ClinVar:

NM_000133.4(F9):c.88+2T>C

Gene: F9 (coagulation factor IX; plus strand). Cytogenetic location: Xq27.1.
Variant type: single nucleotide variant.
Coding change: c.88+2T>C on transcript NM_000133.4 (MANE Select); the canonical splice donor site of the intron after coding-DNA position 88, T replaced by C.
Molecular consequence: splice donor variant.
Genome position (GRCh38, 1-based): chrX:139,530,854, T>C. VCF-style: chrX-139530854-T-C. GRCh37 (hg19) VCF-style: chrX-138613013-T-C.
Other names: c.88+2T>C (NM_001313913.2).
Identifiers: ClinVar variation 1413399 (VCV001413399.6), dbSNP rs2148353009, ClinGen allele CA414434517.

ClinVar aggregate classification (germline): Pathogenic (1 of 4 stars; one submission).

Conditions:
Thrombophilia, X-linked, due to factor 9 defect. Identifiers: MedGen C2749016, MONDO:0010432, OMIM 300807.
Hereditary factor IX deficiency disease (HEMB). Also called: Christmas Disease; FACTOR IX DEFICIENCY; PLASMA THROMBOPLASTIN COMPONENT DEFICIENCY; Hemophilia B; F9 DEFICIENCY. Identifiers: Orphanet 98879, MedGen C0008533, MeSH D002836, MONDO:0010604, OMIM 306900.

Submission:

Labcorp Genetics (formerly Invitae), Labcorp
Classification: Pathogenic for Thrombophilia, X-linked, due to factor 9 defect; Hereditary factor IX deficiency disease. Last evaluated: 2021-09-09. Review status: criteria provided, single submitter. Criteria: Invitae Variant Classification Sherloc (09022015). Collection method: clinical testing. Allele origin: germline.
Comment: This sequence change affects a donor splice site in intron 1 of the F9 gene. It is expected to disrupt RNA splicing. Variants that disrupt the donor or acceptor splice site typically lead to a loss of protein function (PMID: 16199547), and loss-of-function variants in F9 are known to be pathogenic (PMID: 20301668). This variant is not present in population databases (ExAC no frequency). Disruption of this splice site has been observed in individuals with hemophilia B (PMID: 10090477, 10094553). This variant is also known as donor splice 119T>C. Algorithms developed to predict the effect of sequence changes on RNA splicing suggest that this variant may disrupt the consensus splice site. For these reasons, this variant has been classified as Pathogenic.

Literature cited by the submitters: PubMed 16199547; PubMed 20301668; PubMed 10090477; PubMed 10094553.